The following is an entry in ClinVar:

NM_020381.4(PDSS2):c.487C>T (p.Arg163Cys)

Gene: PDSS2 (decaprenyl diphosphate synthase subunit 2; minus strand). Cytogenetic location: 6q21.
Variant type: single nucleotide variant.
Coding change: c.487C>T on transcript NM_020381.4 (MANE Select); coding-DNA position 487, C replaced by T.
Protein change: p.Arg163Cys; replaces arginine 163 with cysteine.
Molecular consequence: missense variant.
Genome position (GRCh38, 1-based): chr6:107,274,172, G>A on the plus strand (C>T on the coding strand, the complement: PDSS2 is on the minus strand). VCF-style: chr6-107274172-G-A. GRCh37 (hg19) VCF-style: chr6-107595376-G-A.
Other names: short protein forms R163C.
Identifiers: ClinVar variation 2579862 (VCV002579862.1), dbSNP rs760480466, ClinGen allele CA3946106.

ClinVar aggregate classification (germline): Uncertain significance (1 of 4 stars; one submission).

Allele frequency attached by ClinVar (database versions not stated): gnomAD exomes below 0.00001; ExAC 0.00001; gnomAD 0.00001; TOPMed 0.00001.

Submission:

GeneDx
Classification: Uncertain significance. Last evaluated: 2023-03-15. Review status: criteria provided, single submitter. Criteria: GeneDx Variant Classification Process June 2021. Collection method: clinical testing. Allele origin: germline. Affected: yes.
Comment: Not observed at significant frequency in large population cohorts (gnomAD); In silico analysis supports that this missense variant has a deleterious effect on protein structure/function; Has not been previously published as pathogenic or benign to our knowledge